The following is an entry in ClinVar:

ClinVar aggregate classification (germline): Uncertain significance (1 of 4 stars; one submission).

Allele frequency attached by ClinVar (database versions not stated): ExAC 0.00007; gnomAD exomes 0.00008; gnomAD 0.00001; TOPMed 0.00001; ESP Exome Variant Server 0.00008.
gnomAD v4.1: 129 of 1,584,614 alleles (0.0081%); highest among the groups gnomAD compares: Non-Finnish European, 0.0098%; no homozygotes.

Submission:

Ambry Genetics
Classification: Uncertain significance. Last evaluated: 2026-08-12. Review status: criteria provided, single submitter. Criteria: Ambry Variant Classification Scheme 2023. Collection method: clinical testing. Allele origin: germline.
Comment: The c.89C>A (p.T30N) alteration is located in exon 3 (coding exon 2) of the MATN4 gene. This alteration results from a C to A substitution at nucleotide position 89, causing the threonine (T) at amino acid position 30 to be replaced by an asparagine (N). Based on data from gnomAD, the A allele has an overall frequency of 0.003% (7/233582) total alleles studied. The highest observed frequency was 0.007% (7/103764) of European (non-Finnish) alleles. Based on insufficient or conflicting evidence, the clinical significance of this alteration remains unclear.

NM_001393530.1(MATN4):c.89C>A (p.Thr30Asn)

Gene: MATN4 (matrilin 4; minus strand). Cytogenetic location: 20q13.12.
Variant type: single nucleotide variant.
Coding change: c.89C>A on transcript NM_001393530.1 (MANE Select); coding-DNA position 89, C replaced by A.
Protein change: p.Thr30Asn; replaces threonine 30 with asparagine.
Molecular consequence: missense variant.
Genome position (GRCh38, 1-based): chr20:45,304,782, G>T on the plus strand (C>A on the coding strand, the complement: MATN4 is on the minus strand). VCF-style: chr20-45304782-G-T. GRCh37 (hg19) VCF-style: chr20-43933422-G-T.
Other names: c.89C>A, p.Thr30Asn (NM_001393531.1, NM_003833.5, NM_030590.4 and 1 more transcripts); short protein forms T30N.
Identifiers: ClinVar variation 2281518 (VCV002281518.4), dbSNP rs375388033, ClinGen allele CA9876325.
Genomic context (GRCh38, chr20:45,304,782, plus strand): 5'-AACTCGAAAGGGCGCACGCTGCGGGAGCTGTCAATCACGAACACCAGATCCAGGGGCCCA[G>T]TGTGACACCTGGGACCTGCGGGGAGATCAGGGAGGACTCTCCTAGGTCAGCAAAGCCTCA-3'
Protein context (NP_001380459.1, residues 20-40): QLQLTGPRCH[Thr30Asn]GPLDLVFVID